The following is an entry in ClinVar:

ClinVar aggregate classification (germline): Uncertain significance. Review status: criteria provided, multiple submitters, no conflicts (2 of 4 stars). 2 submissions from 2 submitters: Uncertain significance (2). Last evaluated 2024-07-06.

Allele frequency attached by ClinVar (database versions not stated): gnomAD exomes 0.00001; ExAC 0.00005; TOPMed 0.00006; gnomAD 0.00007; ESP Exome Variant Server 0.00023; 1000 Genomes Project 0.00040; 1000 Genomes Project 30x 0.00047.
gnomAD v4.1: 20 of 1,558,388 alleles (0.0013%); highest among the groups gnomAD compares: African/African-American, 0.021%; no homozygotes.

Submissions (2):

Labcorp Genetics (formerly Invitae), Labcorp
Classification: Uncertain significance. Last evaluated: 2024-07-06. Review status: criteria provided, single submitter. Criteria: Invitae Variant Classification Sherloc (09022015). Collection method: clinical testing. Allele origin: germline.
Comment: This sequence change replaces glycine, which is neutral and non-polar, with serine, which is neutral and polar, at codon 1578 of the AHDC1 protein (p.Gly1578Ser). This variant is present in population databases (rs141730488, gnomAD 0.04%). This variant has not been reported in the literature in individuals affected with AHDC1-related conditions. ClinVar contains an entry for this variant (Variation ID: 2193373). An algorithm developed to predict the effect of missense changes on protein structure and function (PolyPhen-2) suggests that this variant is likely to be disruptive. In summary, the available evidence is currently insufficient to determine the role of this variant in disease. Therefore, it has been classified as a Variant of Uncertain Significance.

CeGaT Center for Human Genetics Tuebingen
Classification: Uncertain significance. Last evaluated: 2022-11-01. Review status: criteria provided, single submitter. Criteria: CeGaT Center For Human Genetics Tuebingen Variant Classification Criteria Version 2. Collection method: clinical testing. Allele origin: germline. Affected: yes. Observed: 1 variant allele.

NM_001371928.1(AHDC1):c.4732G>A (p.Gly1578Ser)

Gene: AHDC1 (AT-hook DNA binding motif containing 1; minus strand). Cytogenetic location: 1p36.11.
Variant type: single nucleotide variant.
Coding change: c.4732G>A on transcript NM_001371928.1 (MANE Select); coding-DNA position 4732, G replaced by A.
Protein change: p.Gly1578Ser; replaces glycine 1578 with serine.
Molecular consequence: missense variant.
Genome position (GRCh38, 1-based): chr1:27,547,384, C>T on the plus strand (G>A on the coding strand, the complement: AHDC1 is on the minus strand). VCF-style: chr1-27547384-C-T. GRCh37 (hg19) VCF-style: chr1-27873895-C-T.
Other names: c.4732G>A, p.Gly1578Ser (NM_001029882.3); c.688G>A, p.Gly230Ser (NM_015699.1); short protein forms G1578S, G230S.
Identifiers: ClinVar variation 2193373 (VCV002193373.28), dbSNP rs141730488, ClinGen allele CA715287.